The following is an entry in ClinVar:

ClinVar aggregate classification (germline): Uncertain significance. Review status: criteria provided, multiple submitters, no conflicts (2 of 4 stars). 2 submissions from 2 submitters: Uncertain significance (2). Last evaluated 2025-07-30.

Conditions:
POLD1-related polyposis and colorectal cancer syndrome (CRCS10). Also called: Colorectal cancer 10; COLORECTAL CANCER, SUSCEPTIBILITY TO, ON CHROMOSOME 19q; Colorectal cancer, susceptibility to, 10. Identifiers: Orphanet 220460, MedGen C2675481, MONDO:0012953, OMIM 612591.
Hereditary cancer-predisposing syndrome. Also called: Hereditary neoplastic syndrome; Tumor predisposition; Neoplastic Syndromes, Hereditary; Hereditary Cancer Syndrome. Identifiers: Orphanet 140162, MedGen C0027672, MeSH D009386, MONDO:0015356.

Allele frequency attached by ClinVar (database versions not stated): TOPMed below 0.00001.

Submissions (2):

Labcorp Genetics (formerly Invitae), Labcorp
Classification: Uncertain significance for POLD1-related polyposis and colorectal cancer syndrome. Last evaluated: 2025-07-30. Review status: criteria provided, single submitter. Criteria: Invitae Variant Classification Sherloc (09022015). Collection method: clinical testing. Allele origin: germline.
Comment: This sequence change replaces serine, which is neutral and polar, with cysteine, which is neutral and slightly polar, at codon 370 of the POLD1 protein (p.Ser370Cys). This variant is not present in population databases (gnomAD no frequency). This variant has not been reported in the literature in individuals affected with POLD1-related conditions. ClinVar contains an entry for this variant (Variation ID: 949138). Invitae Evidence Modeling of protein sequence and biophysical properties (such as structural, functional, and spatial information, amino acid conservation, physicochemical variation, residue mobility, and thermodynamic stability) indicates that this missense variant is not expected to disrupt POLD1 protein function with a negative predictive value of 80%. In summary, the available evidence is currently insufficient to determine the role of this variant in disease. Therefore, it has been classified as a Variant of Uncertain Significance.

Ambry Genetics
Classification: Uncertain significance for Hereditary cancer-predisposing syndrome. Last evaluated: 2025-04-05. Review status: criteria provided, single submitter. Criteria: Ambry Variant Classification Scheme 2023. Collection method: clinical testing. Allele origin: germline.
Comment: The p.S370C variant (also known as c.1108A>T), located in coding exon 8 of the POLD1 gene, results from an A to T substitution at nucleotide position 1108. The serine at codon 370 is replaced by cysteine, an amino acid with dissimilar properties. This amino acid position is not well conserved in available vertebrate species. In addition, this alteration is predicted to be tolerated by in silico analysis. Since supporting evidence is limited at this time, the clinical significance of this alteration remains unclear.

NM_002691.4(POLD1):c.1108A>T (p.Ser370Cys)

Gene: POLD1 (DNA polymerase delta 1, catalytic subunit; plus strand). Cytogenetic location: 19q13.33.
Variant type: single nucleotide variant.
Coding change: c.1108A>T on transcript NM_002691.4 (MANE Select); coding-DNA position 1108, A replaced by T.
Protein change: p.Ser370Cys; replaces serine 370 with cysteine.
Molecular consequence: missense variant. On other transcripts: non-coding transcript variant (1).
Genome position (GRCh38, 1-based): chr19:50,403,190, A>T. VCF-style: chr19-50403190-A-T. GRCh37 (hg19) VCF-style: chr19-50906447-A-T.
Other names: c.1108A>T, p.Ser370Cys (NM_001256849.1, NM_001308632.1); short protein forms S370C.
Identifiers: ClinVar variation 949138 (VCV000949138.13), dbSNP rs927453278, ClinGen allele CA309601314.
Genomic context (GRCh38, chr19:50,403,190, plus strand): 5'-TTCCTACGCCTGGCGCTCACCCTGCGGCCCTGTGCCCCCATCCTGGGTGCCAAGGTGCAG[A>T]GCTACGAGAAGGAGGAGGACCTGCTGCAGGTAGCTCTCGCTCCACGCCCCACACCATTTC-3'
Protein context (NP_002682.2, residues 360-380): CAPILGAKVQ[Ser370Cys]YEKEEDLLQA